The following is an entry in ClinVar:

ClinVar aggregate classification (germline): Pathogenic/Likely pathogenic. Review status: criteria provided, multiple submitters, no conflicts (2 of 4 stars). 3 submissions from 3 submitters: Pathogenic (2); Likely pathogenic (1). Last evaluated 2025-11-13.

Conditions:
Neurofibromatosis, type 1 (NF1). Also called: VON RECKLINGHAUSEN DISEASE; NEUROFIBROMATOSIS, TYPE I, SOMATIC; Peripheral type neurofibromatosis; Neurofibromatosis, type I. Identifiers: Orphanet 636, MedGen C0027831, MONDO:0018975, OMIM 162200. Disease mechanism: loss of function.

Submissions (3):

Labcorp Genetics (formerly Invitae), Labcorp
Classification: Pathogenic for Neurofibromatosis, type 1. Last evaluated: 2025-11-13. Review status: criteria provided, single submitter. Criteria: Invitae Variant Classification Sherloc (09022015). Collection method: clinical testing. Allele origin: germline.
Comment: This sequence change affects a donor splice site in intron 4 of the NF1 gene. It is expected to disrupt RNA splicing. Variants that disrupt the donor or acceptor splice site typically lead to a loss of protein function (PMID: 16199547), and loss-of-function variants in NF1 are known to be pathogenic (PMID: 10712197, 23913538). This variant is not present in population databases (gnomAD no frequency). Disruption of this splice site has been observed in individual(s) with clinical features of NF1-related conditions (PMID: 18041031; internal data). In at least one individual the variant was observed to be de novo. Invitae Evidence Modeling of clinical and family history, age, sex, and reported ancestry of multiple individuals with this NF1 variant has been performed. This variant is expected to be pathogenic with a positive predictive value of at least 99%. This is a validated machine learning model that incorporates the clinical features of 1,785,918 individuals referred to our laboratory for NF1 testing. ClinVar contains an entry for this variant (Variation ID: 561965). Algorithms developed to predict the effect of sequence changes on RNA splicing suggest that this variant may disrupt the consensus splice site. For these reasons, this variant has been classified as Pathogenic.

Genome-Nilou Lab
Classification: Likely pathogenic for Neurofibromatosis, type 1. Last evaluated: 2022-03-15. Review status: criteria provided, single submitter. Criteria: ACMG Guidelines, 2015. Collection method: clinical testing. Allele origin: germline. Affected: no.

GeneDx
Classification: Pathogenic. Last evaluated: 2022-01-24. Review status: criteria provided, single submitter. Criteria: GeneDx Variant Classification Process June 2021. Collection method: clinical testing. Allele origin: germline. Affected: yes.
Comment: Canonical splice site variant predicted to result in a null allele in a gene for which loss-of-function is a known mechanism of disease; Not observed at significant frequency in large population cohorts (gnomAD); Has not been previously published as pathogenic or benign to our knowledge; Also known as IVS4a+1G>T

Literature cited by the submitters: PubMed 16199547 (cited by Labcorp Genetics (formerly Invitae), Labcorp); PubMed 10712197 (cited by Labcorp Genetics (formerly Invitae), Labcorp); PubMed 23913538 (cited by Labcorp Genetics (formerly Invitae), Labcorp); PubMed 18041031 (cited by Labcorp Genetics (formerly Invitae), Labcorp).

NM_001042492.3(NF1):c.479+1G>T

Gene: NF1 (neurofibromin 1; plus strand). Cytogenetic location: 17q11.2.
Variant type: single nucleotide variant.
Coding change: c.479+1G>T on transcript NM_001042492.3 (MANE Select); the canonical splice donor site of the intron after coding-DNA position 479, G replaced by T.
Molecular consequence: splice donor variant.
Genome position (GRCh38, 1-based): chr17:31,163,377, G>T. VCF-style: chr17-31163377-G-T. GRCh37 (hg19) VCF-style: chr17-29490395-G-T.
Other names: c.479+1G>T (NM_000267.4, NM_001128147.3).
Identifiers: ClinVar variation 561965 (VCV000561965.10), dbSNP rs1555606137, ClinGen allele CA398982223.